The following is an entry in ClinVar:

ClinVar aggregate classification (germline): Likely benign. Review status: criteria provided, multiple submitters, no conflicts (2 of 4 stars). 2 submissions from 2 submitters: Likely benign (2). Last evaluated 2026-08-05.

Conditions:
TRIP13-related disorder. Also called: TRIP13-related condition.

Submissions (2):

PreventionGenetics, part of Exact Sciences
Classification: Likely benign for TRIP13-related condition. Last evaluated: 2026-08-05. Review status: criteria provided, single submitter. Criteria: ACMG Guidelines, 2015. Collection method: clinical testing. Allele origin: germline.
Comment: This variant is classified as likely benign based on ACMG/AMP sequence variant interpretation guidelines (Richards et al. 2015 PMID: 25741868, with internal and published modifications).

Labcorp Genetics (formerly Invitae), Labcorp
Classification: Likely benign. Last evaluated: 2024-06-26. Review status: criteria provided, single submitter. Criteria: Invitae Variant Classification Sherloc (09022015). Collection method: clinical testing. Allele origin: germline.

NM_004237.4(TRIP13):c.969T>C (p.Ser323=)

Gene: TRIP13 (thyroid hormone receptor interactor 13; plus strand). Cytogenetic location: 5p15.33.
Variant type: single nucleotide variant.
Coding change: c.969T>C on transcript NM_004237.4 (MANE Select); coding-DNA position 969, T replaced by C.
Protein change: p.Ser323=; no amino-acid change (serine 323 retained).
Molecular consequence: synonymous variant.
Genome position (GRCh38, 1-based): chr5:911,945, T>C. VCF-style: chr5-911945-T-C. GRCh37 (hg19) VCF-style: chr5-912060-T-C.
Other names: c.969T>C (NM_004237.3).
Identifiers: ClinVar variation 3690445 (VCV003690445.3).
Genomic context (GRCh38, chr5:911,945, plus strand): 5'-GAAGATCGACGTGGCCTTCGTGGACAGGGCTGACATCAAGCAGTACATTGGGCCACCCTC[T>C]GCAGCAGCCATCTTCAAAATCTACCTCTCTTGTTTGGAAGAACTGATGAAGGTACCTTTA-3'
Protein context (NP_004228.1, residues 313-333): ADIKQYIGPP[Ser323=]AAAIFKIYLS